The following is an entry in ClinVar:

ClinVar aggregate classification (germline): Uncertain significance. Review status: criteria provided, multiple submitters, no conflicts (2 of 4 stars). 2 submissions from 2 submitters: Uncertain significance (2). Last evaluated 2025-06-03.

Conditions:
Inborn genetic diseases. Identifiers: MedGen C0950123, MeSH D030342.

gnomAD v4.1: 4 of 1,613,572 alleles (0.00025%); highest among the groups gnomAD compares: Admixed American, 0.0017%; no homozygotes.

Submissions (2):

Ambry Genetics
Classification: Uncertain significance for Inborn genetic diseases. Last evaluated: 2025-06-03. Review status: criteria provided, single submitter. Criteria: Ambry Variant Classification Scheme 2023. Collection method: clinical testing. Allele origin: germline.

GeneDx
Classification: Uncertain significance. Last evaluated: 2024-05-02. Review status: criteria provided, single submitter. Criteria: GeneDx Variant Classification Process June 2021. Collection method: clinical testing. Allele origin: germline. Affected: yes.
Comment: Not observed at significant frequency in large population cohorts (gnomAD); In silico analysis supports that this missense variant has a deleterious effect on protein structure/function; Has not been previously published as pathogenic or benign to our knowledge

NM_000414.4(HSD17B4):c.1892T>C (p.Ile631Thr)

Gene: HSD17B4 (hydroxysteroid 17-beta dehydrogenase 4; plus strand). Cytogenetic location: 5q23.1.
Variant type: single nucleotide variant.
Coding change: c.1892T>C on transcript NM_000414.4 (MANE Select); coding-DNA position 1892, T replaced by C.
Protein change: p.Ile631Thr; replaces isoleucine 631 with threonine.
Molecular consequence: missense variant. On other transcripts: non-coding transcript variant (2).
Genome position (GRCh38, 1-based): chr5:119,531,303, T>C. VCF-style: chr5-119531303-T-C. GRCh37 (hg19) VCF-style: chr5-118866998-T-C.
Other names: c.1967T>C, p.Ile656Thr (NM_001199291.3); c.1838T>C, p.Ile613Thr (NM_001199292.2); c.1820T>C, p.Ile607Thr (NM_001292027.2, NM_001374498.1); c.1472T>C, p.Ile491Thr (NM_001292028.2); c.1883T>C, p.Ile628Thr (NM_001374497.1); c.1565T>C, p.Ile522Thr (NM_001374499.1); c.1451T>C, p.Ile484Thr (NM_001374500.1); c.1481T>C, p.Ile494Thr (NM_001374501.1, NM_001374502.1, NM_001374503.1); short protein forms I484T, I491T, I494T, I522T, I607T, I613T, I628T, I631T.
Identifiers: ClinVar variation 3373291 (VCV003373291.2).